The following is an entry in ClinVar:

NM_003235.5(TG):c.2560C>T (p.Arg854Trp)

Gene: TG (thyroglobulin; plus strand). Cytogenetic location: 8q24.22.
Variant type: single nucleotide variant.
Coding change: c.2560C>T on transcript NM_003235.5 (MANE Select); coding-DNA position 2560, C replaced by T.
Protein change: p.Arg854Trp; replaces arginine 854 with tryptophan.
Molecular consequence: missense variant.
Genome position (GRCh38, 1-based): chr8:132,888,367, C>T. VCF-style: chr8-132888367-C-T. GRCh37 (hg19) VCF-style: chr8-133900612-C-T.
Other names: short protein forms R854W.
Identifiers: ClinVar variation 361926 (VCV000361926.10), dbSNP rs202196940, ClinGen allele CA4883430.

ClinVar aggregate classification (germline): Uncertain significance. Review status: criteria provided, multiple submitters, no conflicts (2 of 4 stars). 5 submissions from 5 submitters: Uncertain significance (5). Last evaluated 2025-06-01.

Conditions:
Iodotyrosyl coupling defect (TDH3). Also called: HYPOTHYROIDISM, CONGENITAL, DUE TO DYSHORMONOGENESIS, 3; THYROID HORMONOGENESIS, GENETIC DEFECT IN, 3. Identifiers: Orphanet 95716, MedGen C0342194, MONDO:0010135, OMIM 274700.
Inborn genetic diseases. Identifiers: MedGen C0950123, MeSH D030342.
TG-related disorder. Also called: TG-related condition; TG-related disorders.
Autoimmune thyroid disease, susceptibility to, 3. Identifiers: MedGen C1842444, MONDO:0011982, OMIM 608175.

Allele frequency attached by ClinVar (database versions not stated): ESP Exome Variant Server 0.00008; gnomAD 0.00016 and 0.00017; TOPMed 0.00021; ExAC 0.00022; gnomAD exomes 0.00024 and 0.00026.
gnomAD v4.1: 405 of 1,614,172 alleles (0.025%); highest among the groups gnomAD compares: South Asian, 0.057%; 1 homozygote.

Submissions (5):

PreventionGenetics, part of Exact Sciences
Classification: Uncertain significance for TG-related condition. Last evaluated: 2025-06-01. Review status: criteria provided, single submitter. Criteria: ACMG Guidelines, 2015. Collection method: clinical testing. Allele origin: germline.
Comment: The TG c.2560C>T variant is predicted to result in the amino acid substitution p.Arg854Trp. To our knowledge, this variant has not been reported in the literature. This variant is reported in 0.068% of alleles in individuals of Ashkenazi Jewish descent in gnomAD. Although we suspect that this variant may be benign, at this time, the clinical significance of this variant is uncertain due to the absence of conclusive functional and genetic evidence.

Ambry Genetics
Classification: Uncertain significance for Inborn genetic diseases. Last evaluated: 2024-02-17. Review status: criteria provided, single submitter. Criteria: Ambry Variant Classification Scheme 2023. Collection method: clinical testing. Allele origin: germline.

Fulgent Genetics
Classification: Uncertain significance for Iodotyrosyl coupling defect; Autoimmune thyroid disease, susceptibility to, 3. Last evaluated: 2021-07-11. Review status: criteria provided, single submitter. Criteria: ACMG Guidelines, 2015. Collection method: clinical testing. Allele origin: unknown.

Illumina Laboratory Services, Illumina
Classification: Uncertain significance for Iodotyrosyl coupling defect. Last evaluated: 2018-01-13. Review status: criteria provided, single submitter. Criteria: ICSL Variant Classification Criteria 13 December 2019. Collection method: clinical testing. Allele origin: germline.

GeneDx
Classification: Uncertain significance. Last evaluated: 2017-01-05. Review status: criteria provided, single submitter. Criteria: GeneDx Variant Classification (06012015). Collection method: clinical testing. Allele origin: germline. Affected: yes.
Comment: The R854W variant in the TG gene has not been reported previously as a pathogenic variant, nor as a benign variant, to our knowledge. The R854W variant was not observed with any significant frequency in approximately 6500 individuals of European and African American ancestry in the NHLBI Exome Sequencing Project, indicating it is not a common benign variant in these populations. The R854W variant is a non-conservative amino acid substitution, which is likely to impact secondary protein structure as these residues differ in polarity, charge, size and/or other properties. However, this substitution occurs at a position that is not conserved. In silico analysis is inconsistent in its predictions as to whether or not the variant is damaging to the protein structure/function. We interpret R854W as a variant of uncertain significance.